The following is an entry in ClinVar:

ClinVar aggregate classification (germline): Uncertain significance (1 of 4 stars; one submission).

Conditions:
Autosomal recessive distal spinal muscular atrophy 2. Also called: NEURONOPATHY, DISTAL HEREDITARY MOTOR, JERASH TYPE; NEUROPATHY, DISTAL HEREDITARY MOTOR, JERASH TYPE; SPINAL MUSCULAR ATROPHY, JERASH TYPE; NEUROPATHY, DISTAL HEREDITARY MOTOR, AUTOSOMAL RECESSIVE 2; Hereditary motor neuropathy, Jerash type; Motor neuropathy, distal, Jerash type. Identifiers: Orphanet 139552, MedGen C1854023, MONDO:0011585, OMIM 605726.
Amyotrophic lateral sclerosis type 16. Also called: AMYOTROPHIC LATERAL SCLEROSIS 16, JUVENILE. Identifiers: Orphanet 300605, MedGen C3280587, MONDO:0013715, OMIM 614373.

Allele frequency attached by ClinVar (database versions not stated): gnomAD exomes below 0.00001.

Submission:

Labcorp Genetics (formerly Invitae), Labcorp
Classification: Uncertain significance for Autosomal recessive distal spinal muscular atrophy 2; Amyotrophic lateral sclerosis type 16. Last evaluated: 2022-07-06. Review status: criteria provided, single submitter. Criteria: Invitae Variant Classification Sherloc (09022015). Collection method: clinical testing. Allele origin: germline.
Comment: This sequence change replaces tryptophan, which is neutral and slightly polar, with arginine, which is basic and polar, at codon 27 of the SIGMAR1 protein (p.Trp27Arg). This variant is not present in population databases (gnomAD no frequency). This variant has not been reported in the literature in individuals affected with SIGMAR1-related conditions. ClinVar contains an entry for this variant (Variation ID: 565401). Algorithms developed to predict the effect of missense changes on protein structure and function output the following: SIFT: "Tolerated"; PolyPhen-2: "Benign"; Align-GVGD: "Class C0". The arginine amino acid residue is found in multiple mammalian species, which suggests that this missense change does not adversely affect protein function. In summary, the available evidence is currently insufficient to determine the role of this variant in disease. Therefore, it has been classified as a Variant of Uncertain Significance.

NM_005866.4(SIGMAR1):c.79T>A (p.Trp27Arg)

Genes: SIGMAR1 (sigma receptor chaperone 1; minus strand), LOC130001681 (ATAC-STARR-seq lymphoblastoid silent region 19853; plus strand). Cytogenetic location: 9p13.3.
Variant type: single nucleotide variant.
Coding change: c.79T>A on transcript NM_005866.4 (MANE Select); coding-DNA position 79, T replaced by A.
Protein change: p.Trp27Arg; replaces tryptophan 27 with arginine.
Molecular consequence: missense variant. On other transcripts: 5 prime UTR variant (1), non-coding transcript variant (1).
Genome position (GRCh38, 1-based): chr9:34,637,619, A>T on the plus strand (T>A on the coding strand, the complement: SIGMAR1 is on the minus strand). VCF-style: chr9-34637619-A-T. GRCh37 (hg19) VCF-style: chr9-34637616-A-T.
Other names: c.79T>A, p.Trp27Arg (NM_001282205.2, NM_001282207.2, NM_001282208.2 and 2 more transcripts); c.-175T>A (NM_001282206.2); short protein forms W27R.
Identifiers: ClinVar variation 565401 (VCV000565401.9), dbSNP rs1564096623, ClinGen allele CA373275652.